The following is an entry in ClinVar:

NM_001134363.3(RBM20):c.3019G>A (p.Glu1007Lys)

Gene: RBM20 (RNA binding motif protein 20; plus strand). Cytogenetic location: 10q25.2.
Variant type: single nucleotide variant.
Coding change: c.3019G>A on transcript NM_001134363.3 (MANE Select); coding-DNA position 3019, G replaced by A.
Protein change: p.Glu1007Lys; replaces glutamic acid 1007 with lysine.
Molecular consequence: missense variant.
Genome position (GRCh38, 1-based): chr10:110,821,638, G>A. VCF-style: chr10-110821638-G-A. GRCh37 (hg19) VCF-style: chr10-112581396-G-A.
Other names: short protein forms E1007K.
Identifiers: ClinVar variation 2449385 (VCV002449385.5), dbSNP rs1844912203, ClinGen allele CA378378978.
Genomic context (GRCh38, chr10:110,821,638, plus strand): 5'-GCTTCCACAAGCTGTCCCAGTGACATGGACGTGGAAATGCCTGGCCTAAATCTGGATGCT[G>A]AGCGGAAGCCAGCTGAAAGTGAGACAGGCCTCTCCCTGGAGGATTCAGATTGCTACGAGA-3'
Protein context (NP_001127835.2, residues 997-1017): VEMPGLNLDA[Glu1007Lys]RKPAESETGL

ClinVar aggregate classification (germline): Uncertain significance. Review status: criteria provided, multiple submitters, no conflicts (2 of 4 stars). 2 submissions from 2 submitters: Uncertain significance (2). Last evaluated 2023-09-06.

Conditions:
Cardiovascular phenotype. Identifiers: MedGen CN230736.
Dilated cardiomyopathy 1DD (CMD1DD). Identifiers: Orphanet 154, MedGen C2750995, MONDO:0013168, OMIM 613172.

Allele frequency attached by ClinVar (database versions not stated): gnomAD 0.00001.
gnomAD v4.1: 1 of 1,551,652 alleles (0.000064%); highest among the groups gnomAD compares: African/African-American, 0.0014%; no homozygotes.

Submissions (2):

Labcorp Genetics (formerly Invitae), Labcorp
Classification: Uncertain significance for Dilated cardiomyopathy 1DD. Last evaluated: 2023-09-06. Review status: criteria provided, single submitter. Criteria: Invitae Variant Classification Sherloc (09022015). Collection method: clinical testing. Allele origin: germline.
Comment: This sequence change replaces glutamic acid, which is acidic and polar, with lysine, which is basic and polar, at codon 1007 of the RBM20 protein (p.Glu1007Lys). This variant is not present in population databases (gnomAD no frequency). This variant has not been reported in the literature in individuals affected with RBM20-related conditions. ClinVar contains an entry for this variant (Variation ID: 2449385). Advanced modeling of protein sequence and biophysical properties (such as structural, functional, and spatial information, amino acid conservation, physicochemical variation, residue mobility, and thermodynamic stability) has been performed at Invitae for this missense variant, however the output from this modeling did not meet the statistical confidence thresholds required to predict the impact of this variant on RBM20 protein function. In summary, the available evidence is currently insufficient to determine the role of this variant in disease. Therefore, it has been classified as a Variant of Uncertain Significance.

Ambry Genetics
Classification: Uncertain significance for Cardiovascular phenotype. Last evaluated: 2022-12-01. Review status: criteria provided, single submitter. Criteria: Ambry Variant Classification Scheme 2023. Collection method: clinical testing. Allele origin: germline.
Comment: The p.E1007K variant (also known as c.3019G>A), located in coding exon 11 of the RBM20 gene, results from a G to A substitution at nucleotide position 3019. The glutamic acid at codon 1007 is replaced by lysine, an amino acid with similar properties. This amino acid position is conserved. In addition, the in silico prediction for this alteration is inconclusive. Since supporting evidence is limited at this time, the clinical significance of this alteration remains unclear.